The following is an entry in ClinVar:

ClinVar aggregate classification (germline): Uncertain significance (1 of 4 stars; one submission).

Allele frequency attached by ClinVar (database versions not stated): TOPMed below 0.00001; gnomAD 0.00001; gnomAD exomes 0.00001; ExAC 0.00002.
gnomAD v4.1: 6 of 1,613,522 alleles (0.00037%); highest among the groups gnomAD compares: Admixed American, 0.0083%; no homozygotes.

Submission:

Labcorp Genetics (formerly Invitae), Labcorp
Classification: Uncertain significance. Last evaluated: 2023-09-09. Review status: criteria provided, single submitter. Criteria: Invitae Variant Classification Sherloc (09022015). Collection method: clinical testing. Allele origin: germline.
Comment: In summary, the available evidence is currently insufficient to determine the role of this variant in disease. Therefore, it has been classified as a Variant of Uncertain Significance. An algorithm developed to predict the effect of missense changes on protein structure and function (PolyPhen-2) suggests that this variant is likely to be disruptive. This variant has not been reported in the literature in individuals affected with RPS6KC1-related conditions. This variant is present in population databases (rs763853562, gnomAD 0.01%). This sequence change replaces glutamic acid, which is acidic and polar, with lysine, which is basic and polar, at codon 19 of the RPS6KC1 protein (p.Glu19Lys).

NM_012424.6(RPS6KC1):c.55G>A (p.Glu19Lys)

Genes: RPS6KC1 (ribosomal protein S6 kinase C1; plus strand), LOC129932493 (ATAC-STARR-seq lymphoblastoid silent region 1809; plus strand). Cytogenetic location: 1q32.3.
Variant type: single nucleotide variant.
Coding change: c.55G>A on transcript NM_012424.6 (MANE Select); coding-DNA position 55, G replaced by A.
Protein change: p.Glu19Lys; replaces glutamic acid 19 with lysine.
Molecular consequence: missense variant. On other transcripts: 5 prime UTR variant (27), non-coding transcript variant (4).
Genome position (GRCh38, 1-based): chr1:213,051,459, G>A. VCF-style: chr1-213051459-G-A. GRCh37 (hg19) VCF-style: chr1-213224801-G-A.
Other names: c.-606G>A (NM_001349649.2, NM_001287219.3); c.-684G>A (NM_001349650.2, NM_001349654.2); c.-805G>A (NM_001349651.2); c.-638G>A (NM_001349652.2); c.-567G>A (NM_001349653.2, NM_001287218.3); c.-380G>A (NM_001349657.2); c.-591G>A (NM_001349658.2); c.-1233G>A (NM_001349659.2); and 16 more; short protein forms E19K.
Identifiers: ClinVar variation 2972006 (VCV002972006.3), dbSNP rs763853562, ClinGen allele CA1387011.
Genomic context (GRCh38, chr1:213,051,459, plus strand): 5'-GGGAGGATGACCTCTTACCGGGAGCGGAGTGCCGACCTGGCCCGTTTCTACACTGTCACC[G>A]AGCCCCAGCGACACCCGAGGGGCTACACAGTATATAAGGTCACCGCCCGGGTGAGTGCCG-3'
Protein context (NP_036556.2, residues 9-29): ADLARFYTVT[Glu19Lys]PQRHPRGYTV